The following is an entry in ClinVar:

ClinVar aggregate classification (germline): Pathogenic (1 of 4 stars; one submission).

Conditions:
Alagille syndrome due to a JAG1 point mutation. Also called: Alagille Syndrome 1; HEPATIC DUCTULAR HYPOPLASIA, SYNDROMATIC; JAG1-Related Alagille Syndrome. Identifiers: Orphanet 261619, Orphanet 52, MedGen C1956125, MONDO:0016862, OMIM 118450.

Submission:

Labcorp Genetics (formerly Invitae), Labcorp
Classification: Pathogenic for Alagille syndrome due to a JAG1 point mutation. Last evaluated: 2022-07-13. Review status: criteria provided, single submitter. Criteria: Invitae Variant Classification Sherloc (09022015). Collection method: clinical testing. Allele origin: germline.
Comment: For these reasons, this variant has been classified as Pathogenic. This sequence change creates a premature translational stop signal (p.Cys522*) in the JAG1 gene. It is expected to result in an absent or disrupted protein product. Loss-of-function variants in JAG1 are known to be pathogenic (PMID: 11180599). This variant is not present in population databases (gnomAD no frequency). This variant has not been reported in the literature in individuals affected with JAG1-related conditions.

Literature cited by the submitters: PubMed 11180599.

NM_000214.3(JAG1):c.1566T>A (p.Cys522Ter)

Gene: JAG1 (jagged canonical Notch ligand 1; minus strand). Cytogenetic location: 20p12.2.
Variant type: single nucleotide variant.
Coding change: c.1566T>A on transcript NM_000214.3 (MANE Select); coding-DNA position 1566, T replaced by A.
Protein change: p.Cys522Ter; replaces cysteine 522 with a stop codon.
Molecular consequence: nonsense.
Genome position (GRCh38, 1-based): chr20:10,648,552, A>T on the plus strand (T>A on the coding strand, the complement: JAG1 is on the minus strand). VCF-style: chr20-10648552-A-T. GRCh37 (hg19) VCF-style: chr20-10629200-A-T.
Other names: short protein forms C522*.
Identifiers: ClinVar variation 2016839 (VCV002016839.4), dbSNP rs2514517120, ClinGen allele CA408237246.